The following is an entry in ClinVar:

NM_003072.5(SMARCA4):c.1195A>G (p.Lys399Glu)

Gene: SMARCA4 (SWI/SNF related BAF chromatin remodeling complex subunit ATPase 4; plus strand). Cytogenetic location: 19p13.2.
Variant type: single nucleotide variant.
Coding change: c.1195A>G on transcript NM_003072.5 (MANE Select); coding-DNA position 1195, A replaced by G.
Protein change: p.Lys399Glu; replaces lysine 399 with glutamic acid.
Molecular consequence: missense variant. On other transcripts: non-coding transcript variant (1).
Genome position (GRCh38, 1-based): chr19:10,989,393, A>G. VCF-style: chr19-10989393-A-G. GRCh37 (hg19) VCF-style: chr19-11100069-A-G.
Other names: c.1195A>G, p.Lys399Glu (NM_001128844.3, NM_001128845.2, NM_001128846.2 and 5 more transcripts); short protein forms K399E.
Identifiers: ClinVar variation 1500246 (VCV001500246.6), dbSNP rs2145848866, ClinGen allele CA404059644.

ClinVar aggregate classification (germline): Uncertain significance (1 of 4 stars; one submission).

Conditions:
Rhabdoid tumor predisposition syndrome 2 (RTPS2). Identifiers: Orphanet 231108, Orphanet 69077, MedGen C2750074, MONDO:0013224, OMIM 613325.

Submission:

Labcorp Genetics (formerly Invitae), Labcorp
Classification: Uncertain significance for Rhabdoid tumor predisposition syndrome 2. Last evaluated: 2021-10-06. Review status: criteria provided, single submitter. Criteria: Invitae Variant Classification Sherloc (09022015). Collection method: clinical testing. Allele origin: germline.
Comment: This sequence change replaces lysine with glutamic acid at codon 399 of the SMARCA4 protein (p.Lys399Glu). The lysine residue is highly conserved and there is a small physicochemical difference between lysine and glutamic acid. This variant is not present in population databases (ExAC no frequency). This variant has not been reported in the literature in individuals affected with SMARCA4-related conditions. Algorithms developed to predict the effect of missense changes on protein structure and function are either unavailable or do not agree on the potential impact of this missense change (SIFT: "Deleterious"; PolyPhen-2: "Benign"; Align-GVGD: "Class C55"). In summary, the available evidence is currently insufficient to determine the role of this variant in disease. Therefore, it has been classified as a Variant of Uncertain Significance.